The following is an entry in ClinVar:

ClinVar aggregate classification (germline): Uncertain significance (1 of 4 stars; one submission).

Allele frequency attached by ClinVar (database versions not stated): gnomAD exomes below 0.00001; ExAC 0.00001.
gnomAD v4.1: 2 of 1,614,096 alleles (0.00012%); highest among the groups gnomAD compares: Admixed American, 0.0017%; no homozygotes.

Submission:

Labcorp Genetics (formerly Invitae), Labcorp
Classification: Uncertain significance. Last evaluated: 2022-08-12. Review status: criteria provided, single submitter. Criteria: Invitae Variant Classification Sherloc (09022015). Collection method: clinical testing. Allele origin: germline.
Comment: This sequence change replaces glutamic acid, which is acidic and polar, with glycine, which is neutral and non-polar, at codon 514 of the KCNV2 protein (p.Glu514Gly). This variant is present in population databases (rs763639610, gnomAD 0.0009%). This variant has not been reported in the literature in individuals affected with KCNV2-related conditions. Algorithms developed to predict the effect of missense changes on protein structure and function are either unavailable or do not agree on the potential impact of this missense change (SIFT: "Deleterious"; PolyPhen-2: "Benign"; Align-GVGD: "Class C0"). In summary, the available evidence is currently insufficient to determine the role of this variant in disease. Therefore, it has been classified as a Variant of Uncertain Significance.

NM_133497.4(KCNV2):c.1541A>G (p.Glu514Gly)

Gene: KCNV2 (potassium voltage-gated channel modifier subfamily V member 2; plus strand). Cytogenetic location: 9p24.2.
Variant type: single nucleotide variant.
Coding change: c.1541A>G on transcript NM_133497.4 (MANE Select); coding-DNA position 1541, A replaced by G.
Protein change: p.Glu514Gly; replaces glutamic acid 514 with glycine.
Molecular consequence: missense variant.
Genome position (GRCh38, 1-based): chr9:2,729,630, A>G. VCF-style: chr9-2729630-A-G. GRCh37 (hg19) VCF-style: chr9-2729630-A-G.
Other names: short protein forms E514G.
Identifiers: ClinVar variation 1967748 (VCV001967748.2), dbSNP rs763639610, ClinGen allele CA4965939.